The following is an entry in ClinVar:

ClinVar aggregate classification (germline): Uncertain significance (1 of 4 stars; one submission).

Conditions:
Fanconi anemia (FA). Also called: Fanconi's anemia. Identifiers: Orphanet 84, MedGen C0015625, MeSH D005199, MONDO:0019391.

Submission:

Labcorp Genetics (formerly Invitae), Labcorp
Classification: Uncertain significance for Fanconi anemia. Last evaluated: 2023-05-22. Review status: criteria provided, single submitter. Criteria: Invitae Variant Classification Sherloc (09022015). Collection method: clinical testing. Allele origin: germline.
Comment: This variant has not been reported in the literature in individuals affected with FANCI-related conditions. In summary, the available evidence is currently insufficient to determine the role of this variant in disease. Therefore, it has been classified as a Variant of Uncertain Significance. Experimental studies and prediction algorithms are not available or were not evaluated, and the functional significance of this variant is currently unknown. ClinVar contains an entry for this variant (Variation ID: 1468139). This variant is not present in population databases (gnomAD no frequency). This sequence change results in a frameshift in the FANCI gene (p.Lys1319Argfs*18). While this is not anticipated to result in nonsense mediated decay, it is expected to disrupt the last 10 amino acid(s) of the FANCI protein and extend the protein by 7 additional amino acid residues.

NM_001113378.2(FANCI):c.3956_3957del (p.Lys1319fs)

Genes: POLG (DNA polymerase gamma, catalytic subunit; minus strand), FANCI (FA complementation group I; plus strand). Cytogenetic location: 15q26.1.
Variant type: Deletion.
Coding change: c.3956_3957del on transcript NM_001113378.2 (MANE Select); coding-DNA positions 3956 to 3957, 2 bases deleted (AA; older notation c.3956_3957delAA).
Protein change: p.Lys1319fs; shifts the reading frame from lysine 1319.
Molecular consequence: frameshift variant. On other transcripts: 3 prime UTR variant (2).
Genome position (GRCh38, 1-based): chr15:89,316,428-89,316,429, AA deleted; deleting any 2 consecutive bases within chr15:89,316,427-89,316,429 gives the same sequence; the c. name uses the placement nearest the transcript's 3' end. VCF-style (leftmost placement, unchanged base first): chr15-89316426-CAA-C. GRCh37 (hg19) VCF-style: chr15-89859657-CAA-C.
Other names: c.*323_*324del (NM_001126131.2, NM_002693.3); c.3677_3678del, p.Lys1226fs (NM_001376910.1); c.3956_3957del, p.Lys1319fs (NM_001376911.1); c.3776_3777del, p.Lys1259fs (NM_018193.3); short protein forms K1226fs, K1259fs, K1319fs.
Identifiers: ClinVar variation 1468139 (VCV001468139.6), dbSNP rs2152049557, ClinGen allele CA2573151243.